The following is an entry in ClinVar:

ClinVar aggregate classification (germline): Uncertain significance (1 of 4 stars; one submission).

Conditions:
Muscular dystrophy-dystroglycanopathy (congenital with brain and eye anomalies), type a, 11 (MDDGA11). Also called: Congenital muscular dystrophy-dystroglycanopathy with brain and eye anomalies, type A11; WALKER-WARBURG SYNDROME OR MUSCLE-EYE-BRAIN DISEASE, B3GALNT2-RELATED; Muscular dystrophy-dystroglycanopathy (congenital with brain and eye anomalies, type A, 11. Identifiers: Orphanet 588, Orphanet 899, MedGen C3554638, MONDO:0014071, OMIM 615181.

Allele frequency attached by ClinVar (database versions not stated): TOPMed 0.00001.

Submission:

Labcorp Genetics (formerly Invitae), Labcorp
Classification: Uncertain significance for Muscular dystrophy-dystroglycanopathy (congenital with brain and eye anomalies), type a, 11. Last evaluated: 2022-06-28. Review status: criteria provided, single submitter. Criteria: Invitae Variant Classification Sherloc (09022015). Collection method: clinical testing. Allele origin: germline.
Comment: In summary, the available evidence is currently insufficient to determine the role of this variant in disease. Therefore, it has been classified as a Variant of Uncertain Significance. Algorithms developed to predict the effect of missense changes on protein structure and function are either unavailable or do not agree on the potential impact of this missense change (SIFT: "Deleterious"; PolyPhen-2: "Benign"; Align-GVGD: "Class C0"). ClinVar contains an entry for this variant (Variation ID: 941748). This variant has not been reported in the literature in individuals affected with B3GALNT2-related conditions. This variant is not present in population databases (gnomAD no frequency). This sequence change replaces histidine, which is basic and polar, with aspartic acid, which is acidic and polar, at codon 299 of the B3GALNT2 protein (p.His299Asp).

NM_152490.5(B3GALNT2):c.895C>G (p.His299Asp)

Gene: B3GALNT2 (beta-1,3-N-acetylgalactosaminyltransferase 2; minus strand). Cytogenetic location: 1q42.3.
Variant type: single nucleotide variant.
Coding change: c.895C>G on transcript NM_152490.5 (MANE Select); coding-DNA position 895, C replaced by G.
Protein change: p.His299Asp; replaces histidine 299 with aspartic acid.
Molecular consequence: missense variant.
Genome position (GRCh38, 1-based): chr1:235,458,733, G>C on the plus strand (C>G on the coding strand, the complement: B3GALNT2 is on the minus strand). VCF-style: chr1-235458733-G-C. GRCh37 (hg19) VCF-style: chr1-235622041-G-C.
Other names: short protein forms H299D.
Identifiers: ClinVar variation 941748 (VCV000941748.7), dbSNP rs1007114210, ClinGen allele CA39609962.
Genomic context (GRCh38, chr1:235,458,733, plus strand): 5'-CATCATAGATGCTGCTTTCCTCCTTCAGTAAGGCATCTTCCTCATGGAGATTCCTTATAT[G>C]ATCAATAAGTCTTTGAGGGCGAGAATGAAGGTTGTGTAAGAGAGCATCACCTTCTATAAA-3'
Protein context (NP_689703.1, residues 289-309): LHSRPQRLID[His299Asp]IRNLHEEDAL